The following is an entry in ClinVar:

NM_001042492.3(NF1):c.4619C>A (p.Ala1540Glu)

Gene: NF1 (neurofibromin 1; plus strand). Cytogenetic location: 17q11.2.
Variant type: single nucleotide variant.
Coding change: c.4619C>A on transcript NM_001042492.3 (MANE Select); coding-DNA position 4619, C replaced by A.
Protein change: p.Ala1540Glu; replaces alanine 1540 with glutamic acid.
Molecular consequence: missense variant.
Genome position (GRCh38, 1-based): chr17:31,261,752, C>A. VCF-style: chr17-31261752-C-A. GRCh37 (hg19) VCF-style: chr17-29588770-C-A.
Other names: c.4556C>A, p.Ala1519Glu (NM_000267.4); short protein forms A1519E, A1540E.
Identifiers: ClinVar variation 1048712 (VCV001048712.4), dbSNP rs2151466279, ClinGen allele CA399000246.

ClinVar aggregate classification (germline): Conflicting classifications of pathogenicity. Review status: criteria provided, conflicting classifications (1 of 4 stars). 3 submissions from 3 submitters: Likely pathogenic (1); Uncertain significance (1). 1 of the submissions does not count toward it. Last evaluated 2024-05-10.

Conditions:
Neurofibromatosis-Noonan syndrome (NFNS). Also called: NEUROFIBROMATOSIS WITH NOONAN PHENOTYPE. Identifiers: Orphanet 638, MedGen C2931482, MONDO:0011035, OMIM 601321. Disease mechanism: loss of function.
Neurofibromatosis, type 1 (NF1). Also called: Peripheral type neurofibromatosis; Neurofibromatosis, type I; VON RECKLINGHAUSEN DISEASE; NEUROFIBROMATOSIS, TYPE I, SOMATIC. Identifiers: Orphanet 636, MedGen C0027831, MONDO:0018975, OMIM 162200. Disease mechanism: loss of function.

Submissions (3):

Pittsburgh Clinical Genomics Laboratory, University of Pittsburgh Medical Center
Classification: Likely pathogenic for Neurofibromatosis-Noonan syndrome. Last evaluated: 2024-05-10. Review status: criteria provided, single submitter. Criteria: ACMG Guidelines, 2015. Collection method: clinical testing. Allele origin: germline. Inheritance: Autosomal dominant inheritance. Affected: yes.
Comment: This sequence variant is a single nucleotide substitution (C>A) at position 4619 of the coding sequence of the NF1 gene that results in an alanine to glutamic acid amino acid change at residue 1540 of the neurofibromin 1 protein. This is a previously reported variant (ClinVar 1048712) that has been observed as a de novo variant in individuals affected by neurofibromatosis type 1 (PMID: 30308447). This variant is absent from the gnomAD population database (0 of approximately 152,000 alleles). Multiple bioinformatic tools predict that this amino acid change would be damaging, and the Ala1540 residue at this position is highly conserved across the vertebrate species examined. Studies examining the functional consequence of this variant have not been published to our knowledge. Based upon the evidence, we consider this a likely pathogenic variant. ACMG Criteria: PM2, PP3, PS2

GeneDx
Classification: Uncertain significance. Last evaluated: 2020-12-16. Review status: criteria provided, single submitter. Criteria: GeneDx Variant Classification Process June 2021. Collection method: clinical testing. Allele origin: germline. Affected: yes.
Comment: Not observed in large population cohorts (Lek et al., 2016); In silico analysis supports that this missense variant has a deleterious effect on protein structure/function; Observed in an individual with cafe-au-lait macules, learning disability, and short stature (Tsipi et al., 2018); This variant is associated with the following publications: (PMID: 22807134, 30308447)

Laboratory of Medical Genetics, National & Kapodistrian University of Athens
Classification: Likely pathogenic for Neurofibromatosis, type 1. Last evaluated: 2019-01-01. Review status: no assertion criteria provided. Collection method: clinical testing. Allele origin: germline. Affected: yes. Not counted in ClinVar's aggregate classification.

Literature cited by the submitters: PubMed 30308447 (cited by Pittsburgh Clinical Genomics Laboratory, University of Pittsburgh Medical Center).